The following is an entry in ClinVar:

NM_032444.4(SLX4):c.4648C>T (p.Arg1550Trp)

Gene: SLX4 (SLX4 structure-specific endonuclease subunit; minus strand). Cytogenetic location: 16p13.3.
Variant type: single nucleotide variant.
Coding change: c.4648C>T on transcript NM_032444.4 (MANE Select); coding-DNA position 4648, C replaced by T.
Protein change: p.Arg1550Trp; replaces arginine 1550 with tryptophan.
Molecular consequence: missense variant.
Genome position (GRCh38, 1-based): chr16:3,584,860, G>A on the plus strand (C>T on the coding strand, the complement: SLX4 is on the minus strand). VCF-style: chr16-3584860-G-A. GRCh37 (hg19) VCF-style: chr16-3634861-G-A.
Other names: c.4648C>T (LRG_503t1, NM_032444.3); short protein forms R1550W.
Identifiers: ClinVar variation 215538 (VCV000215538.57), dbSNP rs77021998, ClinGen allele CA335760.

ClinVar aggregate classification (germline): Benign/Likely benign. Review status: criteria provided, multiple submitters, no conflicts (2 of 4 stars). 15 submissions from 15 submitters: Benign (4); Likely benign (8). 3 of the submissions do not count toward it. Last evaluated 2026-08-01.

Conditions:
Fanconi anemia (FA). Also called: Fanconi's anemia. Identifiers: Orphanet 84, MedGen C0015625, MeSH D005199, MONDO:0019391.
Fanconi anemia complementation group P. Also called: SLX4-Related Fanconi Anemia. Identifiers: Orphanet 84, MedGen C3469542, MONDO:0013499, OMIM 613951.
Fanconi anemia complementation group A (FANCA). Also called: Fanconi anemia, group A; FANCA-Related Fanconi Anemia. Identifiers: Orphanet 84, MedGen C3469521, MONDO:0009215, OMIM 227650.

Allele frequency attached by ClinVar (database versions not stated): 1000 Genomes Project 30x 0.00094; 1000 Genomes Project 0.00120; TOPMed 0.00172; gnomAD 0.00210 and 0.00214; ESP Exome Variant Server 0.00215; gnomAD exomes 0.00275 and 0.00294; ExAC 0.00327.

Submissions (15):

CeGaT Center for Human Genetics Tuebingen
Classification: Likely benign. Last evaluated: 2026-08-01. Review status: criteria provided, single submitter. Criteria: CeGaT Center For Human Genetics Tuebingen Variant Classification Criteria Version 2. Collection method: clinical testing. Allele origin: germline. Affected: yes. Observed: 37 variant alleles.
Comment: SLX4: BP4, BS2

Labcorp Genetics (formerly Invitae), Labcorp
Classification: Benign for Fanconi anemia. Last evaluated: 2026-02-04. Review status: criteria provided, single submitter. Criteria: Invitae Variant Classification Sherloc (09022015). Collection method: clinical testing. Allele origin: germline.

KCCC/NGS Laboratory, Kuwait Cancer Control Center
Classification: Benign for Fanconi anemia complementation group P. Last evaluated: 2025-02-01. Review status: criteria provided, single submitter. Criteria: ACMG Guidelines, 2015. Collection method: clinical testing. Allele origin: germline. Affected: no.

Blueprint Genetics
Classification: Likely benign. Last evaluated: 2024-11-23. Review status: criteria provided, single submitter. Criteria: ACMG Guidelines, 2015. Collection method: clinical testing. Allele origin: germline.

ARUP Laboratories, Molecular Genetics and Genomics, ARUP Laboratories
Classification: Likely benign for Fanconi anemia complementation group P. Last evaluated: 2024-06-17. Review status: criteria provided, single submitter. Criteria: ARUP Molecular Germline Variant Investigation Process 2024. Collection method: clinical testing. Allele origin: germline.

Sema4
Classification: Likely benign for Fanconi anemia. Last evaluated: 2020-12-21. Review status: criteria provided, single submitter. Criteria: Sema4 Curation Guidelines. Collection method: curation. Allele origin: germline.

GeneDx
Classification: Benign. Last evaluated: 2020-02-27. Review status: criteria provided, single submitter. Criteria: GeneDx Variant Classification Process June 2021. Collection method: clinical testing. Allele origin: germline. Affected: yes.
Comment: In silico analysis supports that this missense variant has a deleterious effect on protein structure/function; This variant is associated with the following publications: (PMID: 23840564, 23211700, 27153395, 22383991, 22911665)

Mendelics
Classification: Benign for Fanconi anemia complementation group A. Last evaluated: 2019-05-28. Review status: criteria provided, single submitter. Criteria: Mendelics Assertion Criteria 2017. Collection method: clinical testing. Allele origin: unknown.

Illumina Laboratory Services, Illumina
Classification: Likely benign for Fanconi anemia complementation group P. Last evaluated: 2018-01-12. Review status: criteria provided, single submitter. Criteria: ICSL Variant Classification Criteria 13 December 2019. Collection method: clinical testing. Allele origin: germline.
Comment: This variant was observed in the ICSL laboratory as part of a predisposition screen in an ostensibly healthy population. It had not been previously curated by ICSL or reported in the Human Gene Mutation Database (HGMD: prior to June 1st, 2018), and was therefore a candidate for classification through an automated scoring system. Utilizing variant allele frequency, disease prevalence and penetrance estimates, and inheritance mode, an automated score was calculated to assess if this variant is too frequent to cause the disease. Based on the score and internal cut-off values, a variant classified as likely benign is not then subjected to further curation. The score for this variant resulted in a classification of likely benign for this disease.

Eurofins Ntd Llc (ga)
Classification: Likely benign. Last evaluated: 2017-05-10. Review status: criteria provided, single submitter. Criteria: EGL Classification Definitions 2015. Collection method: clinical testing. Allele origin: germline. Observed: 1 variant allele, 1 heterozygote.

Center for Pediatric Genomic Medicine, Children's Mercy Hospital and Clinics
Classification: Likely benign. Last evaluated: 2016-10-10. Review status: criteria provided, single submitter. Criteria: ACMG Guidelines, 2015. Collection method: clinical testing. Allele origin: germline.
ClinVar note: Converted during submission from Likely Benign to Likely benign.

Genetic Services Laboratory, University of Chicago
Classification: Likely benign. Last evaluated: 2016-05-27. Review status: criteria provided, single submitter. Criteria: ACMG Guidelines, 2015. Collection method: clinical testing. Allele origin: germline. Affected: no.

Leiden Open Variation Database
Classification: Likely benign. Last evaluated: 2012-08-31. Review status: no assertion criteria provided. Collection method: curation. Allele origin: germline. Affected: yes. Not counted in ClinVar's aggregate classification.
Comment: Curator: Arleen D. Auerbach. Submitter to LOVD: Janine Bakker.

Clinical Genetics DNA and cytogenetics Diagnostics Lab, Erasmus MC, Erasmus Medical Center
Classification: Likely benign. Review status: no assertion criteria provided. Collection method: clinical testing. Allele origin: germline. Affected: yes. Study: VKGL Data-share Consensus. Not counted in ClinVar's aggregate classification.

Laboratory of Diagnostic Genome Analysis, Leiden University Medical Center (LUMC)
Classification: Likely benign. Review status: no assertion criteria provided. Collection method: clinical testing. Allele origin: germline. Affected: yes. Study: VKGL Data-share Consensus. Not counted in ClinVar's aggregate classification.

Literature cited by the submitters: PubMed 22911665 (cited by Leiden Open Variation Database).